The following is an entry in ClinVar:

ClinVar aggregate classification (germline): Uncertain significance (1 of 4 stars; one submission).

Conditions:
Charcot-Marie-Tooth disease type 2. Also called: Charcot-Marie-Tooth type 2. Identifiers: Orphanet 64746, MedGen C0270914, MONDO:0018993.

Allele frequency attached by ClinVar (database versions not stated): ESP Exome Variant Server 0.00008; ExAC 0.00002.
gnomAD v4.1: 9 of 1,614,118 alleles (0.00056%); highest among the groups gnomAD compares: East Asian, 0.016%; no homozygotes.

Submission:

Labcorp Genetics (formerly Invitae), Labcorp
Classification: Uncertain significance for Charcot-Marie-Tooth disease type 2. Last evaluated: 2023-04-25. Review status: criteria provided, single submitter. Criteria: Invitae Variant Classification Sherloc (09022015). Collection method: clinical testing. Allele origin: germline.
Comment: In summary, the available evidence is currently insufficient to determine the role of this variant in disease. Therefore, it has been classified as a Variant of Uncertain Significance. Advanced modeling of protein sequence and biophysical properties (such as structural, functional, and spatial information, amino acid conservation, physicochemical variation, residue mobility, and thermodynamic stability) has been performed at Invitae for this missense variant, however the output from this modeling did not meet the statistical confidence thresholds required to predict the impact of this variant on GARS protein function. This variant has not been reported in the literature in individuals affected with GARS-related conditions. This variant is present in population databases (rs372221055, gnomAD 0.02%). This sequence change replaces aspartic acid, which is acidic and polar, with asparagine, which is neutral and polar, at codon 179 of the GARS protein (p.Asp179Asn).

NM_002047.4(GARS1):c.535G>A (p.Asp179Asn)

Gene: GARS1 (glycyl-tRNA synthetase 1; plus strand). Cytogenetic location: 7p14.3.
Variant type: single nucleotide variant.
Coding change: c.535G>A on transcript NM_002047.4 (MANE Select); coding-DNA position 535, G replaced by A.
Protein change: p.Asp179Asn; replaces aspartic acid 179 with asparagine.
Molecular consequence: missense variant.
Genome position (GRCh38, 1-based): chr7:30,601,166, G>A. VCF-style: chr7-30601166-G-A. GRCh37 (hg19) VCF-style: chr7-30640782-G-A.
Other names: c.373G>A, p.Asp125Asn (NM_001316772.1); short protein forms D125N, D179N.
Identifiers: ClinVar variation 2717164 (VCV002717164.3), dbSNP rs372221055, ClinGen allele CA4205727.